The following is an entry in ClinVar:

ClinVar aggregate classification (germline): Pathogenic. Review status: criteria provided, multiple submitters, no conflicts (2 of 4 stars). 9 submissions from 9 submitters: Pathogenic (8). 1 of the submissions does not count toward it. Last evaluated 2026-08-18.

Conditions:
Senior-Loken syndrome 5 (SLSN5). Identifiers: Orphanet 3156, MedGen C1836517, MONDO:0012225, OMIM 609254.
Nephronophthisis. Also called: Juvenile Nephronophthisis. Identifiers: Orphanet 655, MedGen C0687120, MONDO:0019005, HP:0000090.
Leber congenital amaurosis (LCA). Also called: Leber's amaurosis. Identifiers: Orphanet 65, MedGen C0339527, MeSH D057130, MONDO:0018998.
IQCB1-related disorder. Also called: IQCB1-related condition.

Allele frequency attached by ClinVar (database versions not stated): ESP Exome Variant Server 0.00008; 1000 Genomes Project 30x 0.00031; ExAC 0.00002; TOPMed 0.00006.
gnomAD v4.1: 145 of 1,612,894 alleles (0.009%); highest among the groups gnomAD compares: Non-Finnish European, 0.011%; no homozygotes.

Submissions (9):

PreventionGenetics, part of Exact Sciences
Classification: Pathogenic for IQCB1-related condition. Last evaluated: 2026-08-18. Review status: criteria provided, single submitter. Criteria: ACMG Guidelines, 2015. Collection method: clinical testing. Allele origin: germline.
Comment: The IQCB1 c.214C>T variant is predicted to result in premature protein termination (p.Arg72*). This variant has been reported along with a second pathogenic variant in individuals with inherited retinal disease or Leber congenital amaurosis (Supplemental Table 1, Stone et al. 2017. PubMed ID: 28559085; Supplementary Table 2, Turro et al. 2020. PubMed ID: 32581362; Sallum et al. 2020. PubMed ID: 32865313). This variant is reported in 0.0070% of alleles in individuals of European (non-Finnish) descent in gnomAD and is consistently interpreted as pathogenic in ClinVar (Variation ID: 285623). Nonsense variants in IQCB1 are expected to be pathogenic. This variant is interpreted as pathogenic.

Dasa
Classification: Pathogenic. Last evaluated: 2025-11-05. Review status: criteria provided, single submitter. Criteria: DASA Assertion Criteria. Collection method: clinical testing. Allele origin: germline.
Comment: NM_001023570.4(IQCB1):c.214C>T (p.Arg72*) introduces a premature termination codon predicted to result in loss of normal protein function. Loss-of-function is an established mechanism of disease for this gene. This variant has been recurrently observed in individuals with related phenotype (PMID: 28041643; PMID: 28559085). The variant is present at low frequency in population datasets. Based on the available data, this variant is classified as pathogenic.

Labcorp Genetics (formerly Invitae), Labcorp
Classification: Pathogenic for Nephronophthisis. Last evaluated: 2025-08-18. Review status: criteria provided, single submitter. Criteria: Invitae Variant Classification Sherloc (09022015). Collection method: clinical testing. Allele origin: germline.
Comment: This sequence change creates a premature translational stop signal (p.Arg72*) in the IQCB1 gene. It is expected to result in an absent or disrupted protein product. Loss-of-function variants in IQCB1 are known to be pathogenic (PMID: 15723066, 21901789, 23559409, 28041643). This variant is present in population databases (rs201405662, gnomAD 0.008%). This premature translational stop signal has been observed in individual(s) with early onset retinal disease (PMID: 28041643, 28559085). ClinVar contains an entry for this variant (Variation ID: 285623). Algorithms developed to predict the effect of sequence changes on RNA splicing suggest that this variant may disrupt the consensus splice site. For these reasons, this variant has been classified as Pathogenic.

Blueprint Genetics
Classification: Pathogenic for IQCB1-related disorders. Last evaluated: 2024-09-19. Review status: criteria provided, single submitter. Criteria: ACMG Guidelines, 2015. Collection method: clinical testing. Allele origin: germline. Affected: yes. Observed: 5 variant alleles.

Fulgent Genetics
Classification: Pathogenic for Senior-Loken syndrome 5. Last evaluated: 2022-05-27. Review status: criteria provided, single submitter. Criteria: ACMG Guidelines, 2015. Collection method: clinical testing. Allele origin: unknown.

DBGen Ocular Genomics
Classification: Pathogenic for Leber congenital amaurosis. Last evaluated: 2021-06-18. Review status: criteria provided, single submitter. Criteria: ACMG Guidelines, 2015. Collection method: clinical testing. Allele origin: germline. Affected: yes. Observed: 1 variant allele.

Institute of Medical Genetics and Applied Genomics, University Hospital Tübingen
Classification: Pathogenic. Last evaluated: 2020-10-23. Review status: criteria provided, single submitter. Criteria: ACMG Guidelines, 2015. Collection method: clinical testing. Allele origin: germline. Inheritance: Autosomal recessive inheritance. Affected: yes.

Eurofins Ntd Llc (ga)
Classification: Pathogenic. Last evaluated: 2016-01-05. Review status: criteria provided, single submitter. Criteria: EGL Classification Definitions 2015. Collection method: clinical testing. Allele origin: germline. Observed: 1 variant allele, 1 heterozygote.

NIHR Bioresource Rare Diseases, University of Cambridge
Classification: Likely pathogenic for Leber congenital amaurosis. Last evaluated: 2015-01-01. Review status: no assertion criteria provided. Collection method: research. Allele origin: unknown. Affected: yes. Observed: 1 variant allele. Not counted in ClinVar's aggregate classification.

Literature cited by the submitters: PubMed 28041643 (cited by 3 submitters); PubMed 28559085 (cited by Dasa and Labcorp Genetics (formerly Invitae), Labcorp); PubMed 15723066 (cited by Labcorp Genetics (formerly Invitae), Labcorp); PubMed 21901789 (cited by Labcorp Genetics (formerly Invitae), Labcorp); PubMed 23559409 (cited by Labcorp Genetics (formerly Invitae), Labcorp).

NM_001023570.4(IQCB1):c.214C>T (p.Arg72Ter)

Gene: IQCB1 (IQ motif containing B1; minus strand). Cytogenetic location: 3q13.33.
Variant type: single nucleotide variant.
Coding change: c.214C>T on transcript NM_001023570.4 (MANE Select); coding-DNA position 214, C replaced by T.
Protein change: p.Arg72Ter; replaces arginine 72 with a stop codon.
Molecular consequence: nonsense. On other transcripts: non-coding transcript variant (1).
Genome position (GRCh38, 1-based): chr3:121,828,519, G>A on the plus strand (C>T on the coding strand, the complement: IQCB1 is on the minus strand). VCF-style: chr3-121828519-G-A. GRCh37 (hg19) VCF-style: chr3-121547366-G-A.
Other names: c.214C>T, p.Arg72Ter (NM_001023571.4, NM_001319107.2); short protein forms R72*.
Identifiers: ClinVar variation 285623 (VCV000285623.22), dbSNP rs201405662, ClinGen allele CA2567498.